The following is an entry in ClinVar:

NM_001278064.2(GRM1):c.403G>T (p.Asp135Tyr)

Gene: GRM1 (glutamate metabotropic receptor 1; plus strand). Cytogenetic location: 6q24.3.
Variant type: single nucleotide variant.
Coding change: c.403G>T on transcript NM_001278064.2 (MANE Select); coding-DNA position 403, G replaced by T.
Protein change: p.Asp135Tyr; replaces aspartic acid 135 with tyrosine.
Molecular consequence: missense variant.
Genome position (GRCh38, 1-based): chr6:146,029,920, G>T. VCF-style: chr6-146029920-G-T. GRCh37 (hg19) VCF-style: chr6-146351056-G-T.
Other names: c.403G>T, p.Asp135Tyr (NM_001278065.2, NM_001278066.1, NM_001278067.1); short protein forms D135Y.
Identifiers: ClinVar variation 1962716 (VCV001962716.5), dbSNP rs546120018, ClinGen allele CA365959443.

ClinVar aggregate classification (germline): Uncertain significance (1 of 4 stars; one submission).

Submission:

Labcorp Genetics (formerly Invitae), Labcorp
Classification: Uncertain significance. Last evaluated: 2022-03-14. Review status: criteria provided, single submitter. Criteria: Invitae Variant Classification Sherloc (09022015). Collection method: clinical testing. Allele origin: germline.
Comment: Algorithms developed to predict the effect of missense changes on protein structure and function are either unavailable or do not agree on the potential impact of this missense change (SIFT: "Deleterious"; PolyPhen-2: "Possibly Damaging"; Align-GVGD: "Class C0"). This variant has not been reported in the literature in individuals affected with GRM1-related conditions. This variant is not present in population databases (gnomAD no frequency). This sequence change replaces aspartic acid, which is acidic and polar, with tyrosine, which is neutral and polar, at codon 135 of the GRM1 protein (p.Asp135Tyr). In summary, the available evidence is currently insufficient to determine the role of this variant in disease. Therefore, it has been classified as a Variant of Uncertain Significance.